The following is an entry in ClinVar:

NM_002474.3(MYH11):c.3796T>C (p.Ser1266Pro)

Gene: MYH11 (myosin heavy chain 11; minus strand). Cytogenetic location: 16p13.11.
Variant type: single nucleotide variant.
Coding change: c.3796T>C on transcript NM_002474.3 (MANE Select); coding-DNA position 3796, T replaced by C.
Protein change: p.Ser1266Pro; replaces serine 1266 with proline.
Molecular consequence: missense variant.
Genome position (GRCh38, 1-based): chr16:15,726,910, A>G on the plus strand (T>C on the coding strand, the complement: MYH11 is on the minus strand). VCF-style: chr16-15726910-A-G. GRCh37 (hg19) VCF-style: chr16-15820767-A-G.
Other names: c.3817T>C, p.Ser1273Pro (NM_001040113.2, NM_001040114.2); c.3796T>C, p.Ser1266Pro (NM_022844.3); short protein forms S1266P, S1273P.
Identifiers: ClinVar variation 3376759 (VCV003376759.1).

ClinVar aggregate classification (germline): Uncertain significance (1 of 4 stars; one submission).

Conditions:
Aortic aneurysm, familial thoracic 4 (AAT4). Also called: AORTIC ANEURYSM/AORTIC DISSECTION AND PATENT DUCTUS ARTERIOSUS. Identifiers: MedGen C1851504, MONDO:0007568, OMIM 132900.

Submission:

Victorian Clinical Genetics Services, Murdoch Childrens Research Institute
Classification: Uncertain significance for Aortic aneurysm, familial thoracic 4. Last evaluated: 2023-07-17. Review status: criteria provided, single submitter. Criteria: ACMG Guidelines, 2015. Collection method: clinical testing. Allele origin: germline. Inheritance: Autosomal dominant inheritance. Affected: yes.
Comment: Based on the classification scheme VCGS_Germline_v1.3.4, this variant is classified as VUS-3B. Following criteria are met: 0102 - Loss of function is a known mechanism of disease in this gene and is associated with megacystis-microcolon-intestinal hypoperistalsis syndrome 2 (MMIHS; MIM#619351). The disease mechanism for chronic intestinal pseudo-obstruction (CIPO), also known as visceral myopathy 2 (MIM#619350), and aortic aneurysm, familial thoracic 4 (AAFT; MIM#132900) is unclear; however loss of function and dominant negative have been suggested, respectively (PMID: 31944481). (I) 0108 - This gene is associated with both recessive and dominant disease. MMIHS is an autosomal recessive form of disease caused by both missense variants and those resulting in a premature termination codon. AAFT is autosomal dominant and has been reported in patients with splice, missense and inframe deletion variants. CIPO is autosomal dominant and has only been reported in patients with protein elongation variants exclusive to isoform SM2 (PMIDs: 31389005, 31944481). (I) 0112 - The aortic aneurysm associated with this gene has incomplete penetrance (PMIDs: 17666408, 22968129). (I) 0200 - Variant is predicted to result in a missense amino acid change from serine to proline. (I) 0251 - This variant is heterozygous. (I) 0301 - Variant is absent from gnomAD (both v2 and v3). (SP) 0309 - An alternative amino acid change at the same position has been observed in gnomAD (v2) (change from serine to phenylalanine: 1 heterozygote, 0 homozygotes). (I) 0502 - Missense variant with conflicting in silico predictions and uninformative conservation. (I) 0600 - Variant is located in the annotated myosin tail 1 domain (DECIPHER). (I) 0705 - No comparable missense variants have previous evidence for pathogenicity. (I) 0807 - This variant has no previous evidence of pathogenicity. (I) 0905 - No published segregation evidence has been identified for this variant. (I) 1007 - No published functional evidence has been identified for this variant. (I) 1208 - Inheritance information for this variant is not currently available in this individual. (I) Legend: (SP) - Supporting pathogenic, (I) - Information, (SB) - Supporting benign

Literature cited by the submitters: PubMed 17666408; PubMed 22968129; PubMed 31389005; PubMed 31944481.